The following is an entry in ClinVar:

NM_012431.3(SEMA3E):c.1018G>A (p.Ala340Thr)

Gene: SEMA3E (semaphorin 3E; minus strand). Cytogenetic location: 7q21.11.
Variant type: single nucleotide variant.
Coding change: c.1018G>A on transcript NM_012431.3 (MANE Select); coding-DNA position 1018, G replaced by A.
Protein change: p.Ala340Thr; replaces alanine 340 with threonine.
Molecular consequence: missense variant.
Genome position (GRCh38, 1-based): chr7:83,402,757, C>T on the plus strand (G>A on the coding strand, the complement: SEMA3E is on the minus strand). VCF-style: chr7-83402757-C-T. GRCh37 (hg19) VCF-style: chr7-83032073-C-T.
Other names: c.838G>A, p.Ala280Thr (NM_001178129.2); short protein forms A280T, A340T.
Identifiers: ClinVar variation 4988195 (VCV004988195.1).
Genomic context (GRCh38, chr7:83,402,757, plus strand): 5'-TATGTGCATATGGTCCGTTGAAGGCTGCCCGAATGCTAGACATGTGATAGACACATATAG[C>T]ATGCCCTCGAAAAATATTACTGAAAAATACAAAAAAGATAATTATTCTTCTGGAACTAAC-3'
Protein context (NP_036563.1, residues 330-350): NTTSNIFRGH[Ala340Thr]ICVYHMSSIR

ClinVar aggregate classification (germline): Uncertain significance (1 of 4 stars; one submission).

Conditions:
SEMA3E-related disorder. Also called: SEMA3E-related condition.

gnomAD v4.1: 5 of 1,612,408 alleles (0.00031%); highest among the groups gnomAD compares: Non-Finnish European, 0.00042%; no homozygotes.

Submission:

PreventionGenetics, part of Exact Sciences
Classification: Uncertain significance for SEMA3E-related condition. Last evaluated: 2025-02-12. Review status: criteria provided, single submitter. Criteria: ACMG Guidelines, 2015. Collection method: clinical testing. Allele origin: germline.
Comment: The SEMA3E c.1018G>A variant is predicted to result in the amino acid substitution p.Ala340Thr. To our knowledge, this variant has not been reported in the literature. This variant is reported in 0.0018% of alleles in individuals of European (Non-Finnish) descent in gnomAD. At this time, the clinical significance of this variant is uncertain due to the absence of conclusive functional and genetic evidence.